The following is an entry in ClinVar:

NM_018943.3(TUBA8):c.1117C>T (p.Arg373Trp)

Gene: TUBA8 (tubulin alpha 8; plus strand). Cytogenetic location: 22q11.21.
Variant type: single nucleotide variant.
Coding change: c.1117C>T on transcript NM_018943.3 (MANE Select); coding-DNA position 1117, C replaced by T.
Protein change: p.Arg373Trp; replaces arginine 373 with tryptophan.
Molecular consequence: missense variant.
Genome position (GRCh38, 1-based): chr22:18,130,903, C>T. VCF-style: chr22-18130903-C-T. GRCh37 (hg19) VCF-style: chr22-18613670-C-T.
Other names: c.919C>T, p.Arg307Trp (NM_001193414.2); short protein forms R373W, R307W.
Identifiers: ClinVar variation 448843 (VCV000448843.9), dbSNP rs773537011, ClinGen allele CA10093843.

ClinVar aggregate classification (germline): Uncertain significance. Review status: criteria provided, multiple submitters, no conflicts (2 of 4 stars). 4 submissions from 4 submitters: Uncertain significance (4). Last evaluated 2025-08-24.

Conditions:
Polymicrogyria with optic nerve hypoplasia. Identifiers: Orphanet 250972, MedGen C2750798, MONDO:0013172.

Allele frequency attached by ClinVar (database versions not stated): gnomAD 0.00001; TOPMed 0.00002; gnomAD exomes 0.00004 and 0.00008; ExAC 0.00008.

Submissions (4):

Ambry Genetics
Classification: Uncertain significance. Last evaluated: 2025-08-24. Review status: criteria provided, single submitter. Criteria: Ambry Variant Classification Scheme 2023. Collection method: clinical testing. Allele origin: germline.

Labcorp Genetics (formerly Invitae), Labcorp
Classification: Uncertain significance. Last evaluated: 2025-04-03. Review status: criteria provided, single submitter. Criteria: Invitae Variant Classification Sherloc (09022015). Collection method: clinical testing. Allele origin: germline.
Comment: This sequence change replaces arginine, which is basic and polar, with tryptophan, which is neutral and slightly polar, at codon 373 of the TUBA8 protein (p.Arg373Trp). This variant is present in population databases (rs773537011, gnomAD 0.04%). This variant has not been reported in the literature in individuals affected with TUBA8-related conditions. ClinVar contains an entry for this variant (Variation ID: 448843). Invitae Evidence Modeling of protein sequence and biophysical properties (such as structural, functional, and spatial information, amino acid conservation, physicochemical variation, residue mobility, and thermodynamic stability) indicates that this missense variant is expected to disrupt TUBA8 protein function with a positive predictive value of 80%. In summary, the available evidence is currently insufficient to determine the role of this variant in disease. Therefore, it has been classified as a Variant of Uncertain Significance.

Fulgent Genetics
Classification: Uncertain significance for CEDNIK syndrome. Last evaluated: 2018-10-31. Review status: criteria provided, single submitter. Criteria: ACMG Guidelines, 2015. Collection method: clinical testing. Allele origin: unknown.

Athena Diagnostics
Classification: Uncertain significance. Last evaluated: 2016-10-12. Review status: criteria provided, single submitter. Criteria: Athena Diagnostics Criteria. Collection method: clinical testing. Allele origin: germline.